The following is an entry in ClinVar:

NM_024529.5(CDC73):c.307T>C (p.Ser103Pro)

Gene: CDC73 (cell division cycle 73; plus strand). Cytogenetic location: 1q31.2.
Variant type: single nucleotide variant.
Coding change: c.307T>C on transcript NM_024529.5 (MANE Select); coding-DNA position 307, T replaced by C.
Protein change: p.Ser103Pro; replaces serine 103 with proline.
Molecular consequence: missense variant.
Genome position (GRCh38, 1-based): chr1:193,130,243, T>C. VCF-style: chr1-193130243-T-C. GRCh37 (hg19) VCF-style: chr1-193099373-T-C.
Other names: c.307T>C (NM_024529.4); short protein forms S103P.
Identifiers: ClinVar variation 1003357 (VCV001003357.10), dbSNP rs1675671751, ClinGen allele CA343973418.

ClinVar aggregate classification (germline): Uncertain significance. Review status: criteria provided, multiple submitters, no conflicts (2 of 4 stars). 2 submissions from 2 submitters: Uncertain significance (2). Last evaluated 2026-03-09.

Conditions:
Hereditary cancer-predisposing syndrome. Also called: Hereditary Cancer Syndrome; Neoplastic Syndromes, Hereditary; Tumor predisposition; Hereditary neoplastic syndrome. Identifiers: Orphanet 140162, MedGen C0027672, MeSH D009386, MONDO:0015356.
Parathyroid carcinoma (PRTC). Also called: CDC73-Related Parathyroid Carcinoma; Parathyroid gland carcinoma. Identifiers: Orphanet 143, MedGen C0687150, MONDO:0012004, OMIM 608266, HP:0006780.

Allele frequency attached by ClinVar (database versions not stated): gnomAD exomes below 0.00001.
gnomAD v4.1: 1 of 1,537,368 alleles (0.000065%); highest among the groups gnomAD compares: Non-Finnish European, 0.00009%; no homozygotes.

Submissions (2):

Ambry Genetics
Classification: Uncertain significance for Hereditary cancer-predisposing syndrome. Last evaluated: 2026-03-09. Review status: criteria provided, single submitter. Criteria: Ambry Variant Classification Scheme 2023. Collection method: clinical testing. Allele origin: germline.
Comment: The c.307T>C variant (also known as p.S103P), located in coding exon 3 of the CDC73 gene, results from a T to C substitution at nucleotide position 307. The serine at codon 103 is replaced by proline, an amino acid with similar properties. This amino acid position is highly conserved in available vertebrate species. In addition, the in silico prediction for this alteration is inconclusive. Based on the available evidence, the clinical significance of this variant remains unclear.

Labcorp Genetics (formerly Invitae), Labcorp
Classification: Uncertain significance for Parathyroid carcinoma. Last evaluated: 2024-04-27. Review status: criteria provided, single submitter. Criteria: Invitae Variant Classification Sherloc (09022015). Collection method: clinical testing. Allele origin: germline.
Comment: This sequence change replaces serine, which is neutral and polar, with proline, which is neutral and non-polar, at codon 103 of the CDC73 protein (p.Ser103Pro). This variant is not present in population databases (gnomAD no frequency). This variant has not been reported in the literature in individuals affected with CDC73-related conditions. ClinVar contains an entry for this variant (Variation ID: 1003357). An algorithm developed to predict the effect of missense changes on protein structure and function (PolyPhen-2) suggests that this variant is likely to be tolerated. In summary, the available evidence is currently insufficient to determine the role of this variant in disease. Therefore, it has been classified as a Variant of Uncertain Significance.